The following is an entry in ClinVar:

NM_013254.4(TBK1):c.9C>T (p.Ser3=)

Gene: TBK1 (TANK binding kinase 1; plus strand). Cytogenetic location: 12q14.2.
Variant type: single nucleotide variant.
Coding change: c.9C>T on transcript NM_013254.4 (MANE Select); coding-DNA position 9, C replaced by T.
Protein change: p.Ser3=; no amino-acid change (serine 3 retained).
Molecular consequence: synonymous variant.
Genome position (GRCh38, 1-based): chr12:64,455,879, C>T. VCF-style: chr12-64455879-C-T. GRCh37 (hg19) VCF-style: chr12-64849659-C-T.
Other names: p.Ser3=; c.9C>T, p.Ser3= (LRG_1306t1).
Identifiers: ClinVar variation 542557 (VCV000542557.41), dbSNP rs115692983, ClinGen allele CA6668694.
Genomic context (GRCh38, chr12:64,455,879, plus strand): 5'-CAAATTTTTTTTTTCTCTTAGTATAACAAGAGGATTGCCTGATCCAGCCAAGATGCAGAG[C>T]ACTTCTAATCATCTGTGGCTTTTATCTGATATTTTAGGCCAAGGAGCTACTGCAAATGTC-3'
Protein context (NP_037386.1, residues 1-13): MQ[Ser3=]TSNHLWLLSD

ClinVar aggregate classification (germline): Benign/Likely benign. Review status: criteria provided, multiple submitters, no conflicts (2 of 4 stars). 7 submissions from 7 submitters: Benign (4); Likely benign (2). 1 of the submissions does not count toward it. Last evaluated 2026-01-07.

Conditions:
TBK1-related disorder. Also called: TBK1-related condition.
Frontotemporal dementia and/or amyotrophic lateral sclerosis 4. Also called: FTDALS4. Identifiers: Orphanet 275872, MedGen C4225325, MONDO:0014641, OMIM 616439.

Allele frequency attached by ClinVar (database versions not stated): gnomAD exomes 0.00019 and 0.00052; ExAC 0.00075; 1000 Genomes Project 0.00180; 1000 Genomes Project 30x 0.00219; gnomAD 0.00253 and 0.00280; ESP Exome Variant Server 0.00254; TOPMed 0.00268.
gnomAD v4.1: 681 of 1,610,436 alleles (0.042%); highest among the groups gnomAD compares: African/African-American, 0.82%; 1 homozygote.

Submissions (7):

Labcorp Genetics (formerly Invitae), Labcorp
Classification: Benign for Frontotemporal dementia and/or amyotrophic lateral sclerosis 4. Last evaluated: 2026-01-07. Review status: criteria provided, single submitter. Criteria: Invitae Variant Classification Sherloc (09022015). Collection method: clinical testing. Allele origin: germline.

Mayo Clinic Laboratories, Mayo Clinic
Classification: Likely benign. Last evaluated: 2025-04-21. Review status: criteria provided, single submitter. Criteria: ACMG Guidelines, 2015. Collection method: clinical testing. Allele origin: germline. Observed: 1 variant allele.
Comment: BS1, BP4, BP7

Blueprint Genetics
Classification: Likely benign. Last evaluated: 2024-09-18. Review status: criteria provided, single submitter. Criteria: ACMG Guidelines, 2015. Collection method: clinical testing. Allele origin: germline.

CeGaT Center for Human Genetics Tuebingen
Classification: Benign. Last evaluated: 2022-04-01. Review status: criteria provided, single submitter. Criteria: CeGaT Center For Human Genetics Tuebingen Variant Classification Criteria Version 2. Collection method: clinical testing. Allele origin: germline. Affected: yes. Observed: 1 variant allele.
Comment: TBK1: BS1, BS2

GeneDx
Classification: Benign. Last evaluated: 2020-11-13. Review status: criteria provided, single submitter. Criteria: GeneDx Variant Classification Process June 2021. Collection method: clinical testing. Allele origin: germline. Affected: yes.

Breakthrough Genomics
Classification: Benign. Review status: criteria provided, single submitter. Criteria: ACMG Guidelines, 2015. Collection method: not provided. Allele origin: germline. Inheritance: Autosomal dominant inheritance. Affected: yes.

PreventionGenetics, part of Exact Sciences
Classification: Benign for TBK1-related condition. Last evaluated: 2019-07-08. Review status: no assertion criteria provided. Collection method: clinical testing. Allele origin: germline. Not counted in ClinVar's aggregate classification.
Comment: This variant is classified as benign based on ACMG/AMP sequence variant interpretation guidelines (Richards et al. 2015 PMID: 25741868, with internal and published modifications).